The following is an entry in ClinVar:

NM_001165963.4(SCN1A):c.5777dup (p.Tyr1926Ter)

Genes: SCN1A (sodium voltage-gated channel alpha subunit 1; minus strand), LOC102724058 (uncharacterized LOC102724058; plus strand). Cytogenetic location: 2q24.3.
Variant type: Duplication.
Coding change: c.5777dup on transcript NM_001165963.4 (MANE Select); coding-DNA position 5777, one base duplicated (A; older notation c.5777dupA).
Protein change: p.Tyr1926Ter; replaces tyrosine 1926 with a stop codon.
Molecular consequence: nonsense. On other transcripts: non-coding transcript variant (1).
Genome position (GRCh38, 1-based): chr2:165,991,498, T duplicated on the plus strand (A on the coding strand, the reverse complement: SCN1A is on the minus strand). VCF-style (leftmost placement, unchanged base first): chr2-165991497-G-GT. GRCh37 (hg19) VCF-style: chr2-166848007-G-GT.
Other names: c.5693dup, p.Tyr1898Ter (NM_001165964.3, NM_001353957.2, NM_001353958.2); c.5777dup, p.Tyr1926Ter (NM_001202435.3, NM_001353948.2); c.5744dup, p.Tyr1915Ter (NM_001353949.2, NM_001353950.2, NM_001353951.2 and 2 more transcripts); c.5741dup, p.Tyr1914Ter (NM_001353954.2, NM_001353955.2); c.5690dup, p.Tyr1897Ter (NM_001353960.2); c.3335dup, p.Tyr1112Ter (NM_001353961.2); short protein forms Y1926*, Y1112*, Y1914*, Y1897*, Y1898*, Y1915*.
Identifiers: ClinVar variation 4716234 (VCV004716234.1).

ClinVar aggregate classification (germline): Pathogenic (1 of 4 stars; one submission).

Conditions:
Early-infantile DEE. Also called: Early infantile epileptic encephalopathy; Ohtahara syndrome; Early infantile epileptic encephalopathy with suppression bursts. Identifiers: Orphanet 1934, MedGen C0393706, MONDO:0800491.

Submission:

Labcorp Genetics (formerly Invitae), Labcorp
Classification: Pathogenic for Early-infantile DEE. Last evaluated: 2025-10-21. Review status: criteria provided, single submitter. Criteria: Invitae Variant Classification Sherloc (09022015). Collection method: clinical testing. Allele origin: germline.
Comment: This sequence change creates a premature translational stop signal (p.Tyr1926*) in the SCN1A gene. While this is not anticipated to result in nonsense mediated decay, it is expected to disrupt the last 84 amino acid(s) of the SCN1A protein. This variant is not present in population databases (gnomAD no frequency). This variant has not been reported in the literature in individuals affected with SCN1A-related conditions. This variant disrupts a region of the SCN1A protein in which other variant(s) (p.Arg1988Trp) have been determined to be pathogenic (PMID: 23708187; internal data). This suggests that this is a clinically significant region of the protein, and that variants that disrupt it are likely to be disease-causing. For these reasons, this variant has been classified as Pathogenic.

Literature cited by the submitters: PubMed 23708187.